The following is an entry in ClinVar:

NM_006031.6(PCNT):c.2609+2T>G

Gene: PCNT (pericentrin; plus strand). Cytogenetic location: 21q22.3.
Variant type: single nucleotide variant.
Coding change: c.2609+2T>G on transcript NM_006031.6 (MANE Select); the canonical splice donor site of the intron after coding-DNA position 2609, T replaced by G.
Molecular consequence: splice donor variant.
Genome position (GRCh38, 1-based): chr21:46,363,936, T>G. VCF-style: chr21-46363936-T-G. GRCh37 (hg19) VCF-style: chr21-47783851-T-G.
Other names: c.2255+2T>G (NM_001315529.2).
Identifiers: ClinVar variation 2834531 (VCV002834531.3), dbSNP rs2518225113, ClinGen allele CA410568280.

ClinVar aggregate classification (germline): Likely pathogenic (1 of 4 stars; one submission).

Allele frequency attached by ClinVar (database versions not stated): gnomAD exomes below 0.00001.
gnomAD v4.1: 2 of 1,604,630 alleles (0.00012%); highest among the groups gnomAD compares: Non-Finnish European, 0.00017%; no homozygotes.

Submission:

Labcorp Genetics (formerly Invitae), Labcorp
Classification: Likely pathogenic. Last evaluated: 2023-02-04. Review status: criteria provided, single submitter. Criteria: Invitae Variant Classification Sherloc (09022015). Collection method: clinical testing. Allele origin: germline.
Comment: Algorithms developed to predict the effect of sequence changes on RNA splicing suggest that this variant may disrupt the consensus splice site. In summary, the currently available evidence indicates that the variant is pathogenic, but additional data are needed to prove that conclusively. Therefore, this variant has been classified as Likely Pathogenic. This variant has not been reported in the literature in individuals affected with PCNT-related conditions. This variant is not present in population databases (gnomAD no frequency). This sequence change affects a donor splice site in intron 14 of the PCNT gene. It is expected to disrupt RNA splicing. Variants that disrupt the donor or acceptor splice site typically lead to a loss of protein function (PMID: 16199547), and loss-of-function variants in PCNT are known to be pathogenic (PMID: 18174396, 22821869).

Literature cited by the submitters: PubMed 16199547; PubMed 18174396; PubMed 22821869.